The following is an entry in ClinVar:

ClinVar aggregate classification (germline): Uncertain significance (1 of 4 stars; one submission).

Conditions:
Multiple gastrointestinal atresias. Also called: FAMILIAL INTESTINAL POLYATRESIA SYNDROME; Multiple intestinal atresia. Identifiers: Orphanet 2300, MedGen C0220744, MONDO:0009465.

Allele frequency attached by ClinVar (database versions not stated): gnomAD exomes below 0.00001; ExAC 0.00001; gnomAD 0.00001.
gnomAD v4.1: 4 of 1,613,932 alleles (0.00025%); highest among the groups gnomAD compares: Non-Finnish European, 0.00034%; no homozygotes.

Submission:

Labcorp Genetics (formerly Invitae), Labcorp
Classification: Uncertain significance for Multiple gastrointestinal atresias. Last evaluated: 2020-11-16. Review status: criteria provided, single submitter. Criteria: Invitae Variant Classification Sherloc (09022015). Collection method: clinical testing. Allele origin: germline.
Comment: This variant has not been reported in the literature in individuals with TTC7A-related conditions. This sequence change replaces alanine with threonine at codon 381 of the TTC7A protein (p.Ala381Thr). The alanine residue is moderately conserved and there is a small physicochemical difference between alanine and threonine. This variant is present in population databases (rs751523740, ExAC 0.001%). Algorithms developed to predict the effect of missense changes on protein structure and function output the following: SIFT: "Tolerated"; PolyPhen-2: "Benign"; Align-GVGD: "Class C0". The threonine amino acid residue is found in multiple mammalian species, suggesting that this missense change does not adversely affect protein function. These predictions have not been confirmed by published functional studies and their clinical significance is uncertain. In summary, the available evidence is currently insufficient to determine the role of this variant in disease. Therefore, it has been classified as a Variant of Uncertain Significance.

NM_020458.4(TTC7A):c.1141G>A (p.Ala381Thr)

Gene: TTC7A (tetratricopeptide repeat domain 7A; plus strand). Cytogenetic location: 2p21.
Variant type: single nucleotide variant.
Coding change: c.1141G>A on transcript NM_020458.4 (MANE Select); coding-DNA position 1141, G replaced by A.
Protein change: p.Ala381Thr; replaces alanine 381 with threonine.
Molecular consequence: missense variant.
Genome position (GRCh38, 1-based): chr2:47,005,997, G>A. VCF-style: chr2-47005997-G-A. GRCh37 (hg19) VCF-style: chr2-47233136-G-A.
Other names: c.1141G>A, p.Ala381Thr (NM_001288951.2); c.1039G>A, p.Ala347Thr (NM_001288953.2); c.79G>A, p.Ala27Thr (NM_001288955.2); short protein forms A27T, A347T, A381T.
Identifiers: ClinVar variation 1485651 (VCV001485651.8), dbSNP rs751523740, ClinGen allele CA1647510.